The following is an entry in ClinVar:

ClinVar aggregate classification (germline): Likely benign. Review status: criteria provided, multiple submitters, no conflicts (2 of 4 stars). 2 submissions from 2 submitters: Likely benign (2). Last evaluated 2026-08-01.

gnomAD v4.1: 1,064 of 1,475,900 alleles (0.072%); highest among the groups gnomAD compares: East Asian, 2.3%; 12 homozygotes.

Submissions (2):

CeGaT Center for Human Genetics Tuebingen
Classification: Likely benign. Last evaluated: 2026-08-01. Review status: criteria provided, single submitter. Criteria: CeGaT Center For Human Genetics Tuebingen Variant Classification Criteria Version 2. Collection method: clinical testing. Allele origin: germline. Affected: yes. Observed: 1 variant allele.
Comment: RPS24: BP4, BS1

Blueprint Genetics
Classification: Likely benign. Last evaluated: 2024-11-27. Review status: criteria provided, single submitter. Criteria: ACMG Guidelines, 2015. Collection method: clinical testing. Allele origin: germline.

NM_001142285.2(RPS24):c.853T>C (p.Ser285Pro)

Gene: RPS24 (ribosomal protein S24; plus strand). Cytogenetic location: 10q22.3.
Variant type: single nucleotide variant.
Coding change: c.853T>C on transcript NM_001142285.2; coding-DNA position 853, T replaced by C.
Protein change: p.Ser285Pro; replaces serine 285 with proline.
Molecular consequence: missense variant.
Genome position (GRCh38, 1-based): chr10:78,054,993, T>C. VCF-style: chr10-78054993-T-C. GRCh37 (hg19) VCF-style: chr10-79814751-T-C.
Other names: short protein forms S285P.
Identifiers: ClinVar variation 4908243 (VCV004908243.2).